The following is an entry in ClinVar:

NM_003105.6(SORL1):c.1960C>T (p.Arg654Trp)

Gene: SORL1 (sortilin related receptor 1; plus strand). Cytogenetic location: 11q24.1.
Variant type: single nucleotide variant.
Coding change: c.1960C>T on transcript NM_003105.6 (MANE Select); coding-DNA position 1960, C replaced by T.
Protein change: p.Arg654Trp; replaces arginine 654 with tryptophan.
Molecular consequence: missense variant.
Genome position (GRCh38, 1-based): chr11:121,545,338, C>T. VCF-style: chr11-121545338-C-T. GRCh37 (hg19) VCF-style: chr11-121416047-C-T.
Other names: short protein forms R654W.
Identifiers: ClinVar variation 1390627 (VCV001390627.6), dbSNP rs2134889161, ClinGen allele CA383030375.

ClinVar aggregate classification (germline): Uncertain significance (1 of 4 stars; one submission).

Allele frequency attached by ClinVar (database versions not stated): gnomAD exomes below 0.00001.
gnomAD v4.1: 6 of 1,614,148 alleles (0.00037%); highest among the groups gnomAD compares: African/African-American, 0.0013%; no homozygotes.

Submission:

Labcorp Genetics (formerly Invitae), Labcorp
Classification: Uncertain significance. Last evaluated: 2021-10-19. Review status: criteria provided, single submitter. Criteria: Invitae Variant Classification Sherloc (09022015). Collection method: clinical testing. Allele origin: germline.
Comment: This sequence change replaces arginine with tryptophan at codon 654 of the SORL1 protein (p.Arg654Trp). The arginine residue is highly conserved and there is a moderate physicochemical difference between arginine and tryptophan. This variant is not present in population databases (ExAC no frequency). This variant has been observed in individual(s) with Alzheimer disease (PMID: 26303663). Algorithms developed to predict the effect of missense changes on protein structure and function (SIFT, PolyPhen-2, Align-GVGD) all suggest that this variant is likely to be disruptive. In summary, the available evidence is currently insufficient to determine the role of this variant in disease. Therefore, it has been classified as a Variant of Uncertain Significance.

Literature cited by the submitters: PubMed 26303663.